The following is an entry in ClinVar:

NM_006765.4(TUSC3):c.39G>A (p.Ala13=)

Gene: TUSC3 (tumor suppressor candidate 3; plus strand). Cytogenetic location: 8p22.
Variant type: single nucleotide variant.
Coding change: c.39G>A on transcript NM_006765.4 (MANE Select); coding-DNA position 39, G replaced by A.
Protein change: p.Ala13=; no amino-acid change (alanine 13 retained).
Molecular consequence: synonymous variant. On other transcripts: 5 prime UTR variant (2), non-coding transcript variant (5), intron variant (4).
Genome position (GRCh38, 1-based): chr8:15,540,469, G>A. VCF-style: chr8-15540469-G-A. GRCh37 (hg19) VCF-style: chr8-15397978-G-A.
Other names: c.39G>A, p.Ala13= (NM_001356429.2, NM_001413583.1, NM_001413673.1 and 17 more transcripts); c.-276G>A (NM_001413677.1); c.-179G>A (NM_001413678.1); c.79-82611G>A (NM_001413670.1); c.-31+56986G>A (NM_001413672.1); c.-30-82611G>A (NM_001413671.1, NM_001413669.1).
Identifiers: ClinVar variation 4084593 (VCV004084593.8).

ClinVar aggregate classification (germline): Likely benign (1 of 4 stars; one submission).

Submission:

CeGaT Center for Human Genetics Tuebingen
Classification: Likely benign. Last evaluated: 2025-07-01. Review status: criteria provided, single submitter. Criteria: CeGaT Center For Human Genetics Tuebingen Variant Classification Criteria Version 2. Collection method: clinical testing. Allele origin: germline. Affected: yes. Observed: 1 variant allele.
Comment: TUSC3: PM2:Supporting, BP4, BP7